The following is an entry in ClinVar:

ClinVar aggregate classification (germline): Pathogenic (1 of 4 stars; one submission).

Submission:

GeneDx
Classification: Pathogenic. Last evaluated: 2025-06-12. Review status: criteria provided, single submitter. Criteria: GeneDx Variant Classification Process June 2021. Collection method: clinical testing. Allele origin: germline. Affected: yes.
Comment: Reported in a cohort of individuals with developmental delay who underwent exome sequencing, which likely includes one of the patients referred for genetic testing at GeneDx (PMID: 33057194); Nonsense variant predicted to result in protein truncation or nonsense mediated decay in a gene for which loss of function is a known mechanism of disease; Not observed at significant frequency in large population cohorts (gnomAD); This variant is associated with the following publications: (PMID: 35982159, 33057194)

NM_001080517.3(SETD5):c.1715C>G (p.Ser572Ter)

Gene: SETD5 (SET domain containing 5; plus strand). Cytogenetic location: 3p25.3.
Variant type: single nucleotide variant.
Coding change: c.1715C>G on transcript NM_001080517.3 (MANE Select); coding-DNA position 1715, C replaced by G.
Protein change: p.Ser572Ter; replaces serine 572 with a stop codon.
Molecular consequence: nonsense.
Genome position (GRCh38, 1-based): chr3:9,447,240, C>G. VCF-style: chr3-9447240-C-G. GRCh37 (hg19) VCF-style: chr3-9488924-C-G.
Other names: c.1421C>G, p.Ser474Ter (NM_001292043.2, NM_001349451.2); short protein forms S572*, S474*.
Identifiers: ClinVar variation 523890 (VCV000523890.3), dbSNP rs751539788, ClinGen allele CA351696222.